The following is an entry in ClinVar:

NM_001142800.2(EYS):c.8325_8326del (p.Lys2775fs)

Genes: EYS (EGF-like photoreceptor maintenance factor; minus strand), PHF3 (PHD finger protein 3; plus strand). Cytogenetic location: 6q12.
Variant type: Deletion.
Coding change: c.8325_8326del on transcript NM_001142800.2 (MANE Select); coding-DNA positions 8325 to 8326, 2 bases deleted (AG; older notation c.8325_8326delAG).
Protein change: p.Lys2775fs; shifts the reading frame from lysine 2775.
Molecular consequence: frameshift variant. On other transcripts: 3 prime UTR variant (5).
Genome position (GRCh38, 1-based): chr6:63,721,705-63,721,706, CT deleted on the plus strand (AG on the coding strand, the reverse complement: EYS is on the minus strand). VCF-style (leftmost placement, unchanged base first): chr6-63721704-ACT-A. GRCh37 (hg19) VCF-style: chr6-64431600-ACT-A.
Other names: c.8325_8326delAG (NM_001142800.1); c.*7997_*7998del (NM_001290259.2, NM_001370348.2, NM_001370349.2 and 2 more transcripts); c.8388_8389del, p.Lys2796fs (NM_001292009.2); short protein forms K2775fs, K2796fs.
Identifiers: ClinVar variation 2110381 (VCV002110381.6), dbSNP rs1561994323, ClinGen allele CA568119004.

ClinVar aggregate classification (germline): Pathogenic/Likely pathogenic. Review status: criteria provided, multiple submitters, no conflicts (2 of 4 stars). 3 submissions from 3 submitters: Pathogenic (1); Likely pathogenic (2). Last evaluated 2024-02-29.

Conditions:
Retinitis pigmentosa 25 (RP25). Identifiers: Orphanet 791, MedGen C1864446, MONDO:0011272, OMIM 602772.
EYS-related disorder. Also called: EYS-related condition.

Allele frequency attached by ClinVar (database versions not stated): gnomAD exomes below 0.00001.

Submissions (3):

Natera, Inc.
Classification: Likely pathogenic for Retinitis pigmentosa type 25. Last evaluated: 2024-02-29. Review status: criteria provided, single submitter. Criteria: Natera Variant Classification Schema (03/2026). Collection method: clinical testing. Allele origin: germline.
Comment: The c.8325_8326delAG variant in EYS is a frameshift variant predicted to shift the reading frame beginning at codon 2775 and leads to a stop codon 36 codons downstream. This variant is expected to result in nonsense mediated decay, truncation, or a dysfunctional protein product. This variant is rare in the general population with a frequency below the threshold expected for the associated phenotype(s). Given the available evidence, this variant is classified as Likely Pathogenic.

Labcorp Genetics (formerly Invitae), Labcorp
Classification: Pathogenic. Last evaluated: 2022-06-18. Review status: criteria provided, single submitter. Criteria: Invitae Variant Classification Sherloc (09022015). Collection method: clinical testing. Allele origin: germline.
Comment: For these reasons, this variant has been classified as Pathogenic. This sequence change creates a premature translational stop signal (p.Lys2775Asnfs*36) in the EYS gene. While this is not anticipated to result in nonsense mediated decay, it is expected to disrupt the last 370 amino acid(s) of the EYS protein. This variant is present in population databases (no rsID available, gnomAD 0.004%). This variant has not been reported in the literature in individuals affected with EYS-related conditions. This variant disrupts a region of the EYS protein in which other variant(s) (p.Tyr3135*) have been determined to be pathogenic (PMID: 18976725, 29159838, 30337596, 31074760). This suggests that this is a clinically significant region of the protein, and that variants that disrupt it are likely to be disease-causing.

Blueprint Genetics
Classification: Likely pathogenic for EYS-related disorders. Last evaluated: 2022-02-09. Review status: criteria provided, single submitter. Criteria: ACMG Guidelines, 2015. Collection method: clinical testing. Allele origin: germline. Affected: yes. Observed: 1 variant allele.

Literature cited by the submitters: PubMed 18976725 (cited by Labcorp Genetics (formerly Invitae), Labcorp); PubMed 29159838 (cited by Labcorp Genetics (formerly Invitae), Labcorp); PubMed 30337596 (cited by Labcorp Genetics (formerly Invitae), Labcorp); PubMed 31074760 (cited by Labcorp Genetics (formerly Invitae), Labcorp).